The following is an entry in ClinVar:

NM_002519.3(NPAT):c.2572A>G (p.Thr858Ala)

Gene: NPAT (nuclear protein, coactivator of histone transcription; minus strand). Cytogenetic location: 11q22.3.
Variant type: single nucleotide variant.
Coding change: c.2572A>G on transcript NM_002519.3 (MANE Select); coding-DNA position 2572, A replaced by G.
Protein change: p.Thr858Ala; replaces threonine 858 with alanine.
Molecular consequence: missense variant.
Genome position (GRCh38, 1-based): chr11:108,172,412, T>C on the plus strand (A>G on the coding strand, the complement: NPAT is on the minus strand). VCF-style: chr11-108172412-T-C. GRCh37 (hg19) VCF-style: chr11-108043139-T-C.
Other names: c.2572A>G, p.Thr858Ala (NM_001321307.1); short protein forms T858A.
Identifiers: ClinVar variation 3222541 (VCV003222541.1), dbSNP rs2496716740, ClinGen allele CA382512689.

ClinVar aggregate classification (germline): Uncertain significance (1 of 4 stars; one submission).

Submission:

Ambry Genetics
Classification: Uncertain significance. Last evaluated: 2024-02-06. Review status: criteria provided, single submitter. Criteria: Ambry Variant Classification Scheme 2023. Collection method: clinical testing. Allele origin: germline.
Comment: The p.T858A variant (also known as c.2572A>G), located in coding exon 13 of the NPAT gene, results from an A to G substitution at nucleotide position 2572. The threonine at codon 858 is replaced by alanine, an amino acid with similar properties. This amino acid position is conserved. In addition, this alteration is predicted to be tolerated by in silico analysis. Based on the available evidence, the clinical significance of this alteration remains unclear.